The following is an entry in ClinVar:

ClinVar aggregate classification (germline): Conflicting classifications of pathogenicity. Review status: criteria provided, conflicting classifications (1 of 4 stars). 3 submissions from 3 submitters: Uncertain significance (2); Likely benign (1). Last evaluated 2025-06-05.

Conditions:
Hereditary cancer-predisposing syndrome. Also called: Neoplastic Syndromes, Hereditary; Hereditary Cancer Syndrome; Tumor predisposition; Hereditary neoplastic syndrome. Identifiers: Orphanet 140162, MedGen C0027672, MeSH D009386, MONDO:0015356.

Allele frequency attached by ClinVar (database versions not stated): TOPMed below 0.00001.

Submissions (3):

Ambry Genetics
Classification: Uncertain significance for Hereditary cancer-predisposing syndrome. Last evaluated: 2025-06-05. Review status: criteria provided, single submitter. Criteria: Ambry Variant Classification Scheme 2023. Collection method: clinical testing. Allele origin: germline.
Comment: The p.V1093I variant (also known as c.3277G>A), located in coding exon 9 of the BRCA1 gene, results from a G to A substitution at nucleotide position 3277. The valine at codon 1093 is replaced by isoleucine, an amino acid with highly similar properties. This amino acid position is not well conserved in available vertebrate species. In addition, the in silico prediction for this alteration is inconclusive. Based on the available evidence, the clinical significance of this variant remains unclear.

University of Washington Department of Laboratory Medicine, University of Washington
Classification: Likely benign for Hereditary cancer-predisposing syndrome. Last evaluated: 2023-03-23. Review status: criteria provided, single submitter. Criteria: Dines et al. (Genet Med. 2020). Collection method: curation. Allele origin: germline.
Comment: Missense variant in a coldspot region where missense variants are very unlikely to be pathogenic (PMID:31911673).

BRCA1 coldspot (exon 11 using historical exon numbering). Reclassification based on statistical prior probability

Quest Diagnostics Nichols Institute San Juan Capistrano
Classification: Uncertain significance. Last evaluated: 2019-09-21. Review status: criteria provided, single submitter. Criteria: Quest Diagnostics criteria. Collection method: clinical testing. Allele origin: unknown.

NM_007294.4(BRCA1):c.3277G>A (p.Val1093Ile)

Genes: BRCA1 (BRCA1 DNA repair associated; minus strand), LOC126862571 (BRD4-independent group 4 enhancer GRCh37_chr17:41243136-41244335; plus strand). Cytogenetic location: 17q21.31.
Variant type: single nucleotide variant.
Coding change: c.3277G>A on transcript NM_007294.4 (MANE Select); coding-DNA position 3277, G replaced by A.
Protein change: p.Val1093Ile; replaces valine 1093 with isoleucine.
Molecular consequence: missense variant. On other transcripts: intron variant (137).
Genome position (GRCh38, 1-based): chr17:43,092,254, C>T on the plus strand (G>A on the coding strand, the complement: BRCA1 is on the minus strand). VCF-style: chr17-43092254-C-T. GRCh37 (hg19) VCF-style: chr17-41244271-C-T.
Other names: c.3064G>A, p.Val1022Ile (NM_001407571.1, NM_001407853.1, NM_001407894.1 and 9 more transcripts); c.3277G>A, p.Val1093Ile (NM_001407581.1, NM_001407582.1, NM_001407583.1 and 30 more transcripts); c.3274G>A, p.Val1092Ile (NM_001407587.1, NM_001407590.1, NM_001407591.1 and 22 more transcripts); c.3268G>A, p.Val1090Ile (NM_001407646.1, NM_001407647.1); c.3154G>A, p.Val1052Ile (NM_001407648.1, NM_001407664.1, NM_001407665.1 and 19 more transcripts); c.3151G>A, p.Val1051Ile (NM_001407649.1, NM_001407670.1, NM_001407671.1 and 11 more transcripts); c.3199G>A, p.Val1067Ile (NM_001407653.1, NM_001407654.1, NM_001407655.1 and 4 more transcripts); c.3196G>A, p.Val1066Ile (NM_001407659.1, NM_001407660.1, NM_001407661.1 and 1 more transcripts); and 41 more; short protein forms V1046I, V1093I, V1004I, V1051I, V1067I, V1090I, V1092I, V925I.
Identifiers: ClinVar variation 993046 (VCV000993046.5), dbSNP rs587778117, ClinGen allele CA10595436.